The following is an entry in ClinVar:

NM_022124.6(CDH23):c.4536C>A (p.Ile1512=)

Gene: CDH23 (cadherin related 23; plus strand). Cytogenetic location: 10q22.1.
Variant type: single nucleotide variant.
Coding change: c.4536C>A on transcript NM_022124.6 (MANE Select); coding-DNA position 4536, C replaced by A.
Protein change: p.Ile1512=; no amino-acid change (isoleucine 1512 retained).
Molecular consequence: synonymous variant.
Genome position (GRCh38, 1-based): chr10:71,740,869, C>A. VCF-style: chr10-71740869-C-A. GRCh37 (hg19) VCF-style: chr10-73500626-C-A.
Identifiers: ClinVar variation 1097035 (VCV001097035.14), dbSNP rs191759543, ClinGen allele CA5545086.
Genomic context (GRCh38, chr10:71,740,869, plus strand): 5'-CTCCTCCTTGCAGGTTGTGGCTTCTGACCGAGGCACCCCTCCACGGAAGAAGGACCACAT[C>A]CTGCAGGTGACCATCCTGGACATCAATGACAACCCTCCAGTCATCGAGAGCCCCTTTGGA-3'
Protein context (NP_071407.4, residues 1502-1522): RGTPPRKKDH[Ile1512=]LQVTILDIND

ClinVar aggregate classification (germline): Likely benign. Review status: criteria provided, multiple submitters, no conflicts (2 of 4 stars). 5 submissions from 5 submitters: Likely benign (4). 1 of the submissions does not count toward it. Last evaluated 2026-01-25.

Conditions:
CDH23-related disorder. Also called: CDH23-related condition; CDH23-related disorders.
Usher syndrome type 1 (USH1). Also called: RETINITIS PIGMENTOSA AND CONGENITAL DEAFNESS. Identifiers: Orphanet 231169, Orphanet 886, MedGen C1568247, MONDO:0010168, OMIM 276900.

Allele frequency attached by ClinVar (database versions not stated): gnomAD 0.00001 and 0.00002; gnomAD exomes 0.00001 and 0.00008; ExAC 0.00006; 1000 Genomes Project 0.00040; 1000 Genomes Project 30x 0.00047.
gnomAD v4.1: 27 of 1,613,948 alleles (0.0017%); highest among the groups gnomAD compares: East Asian, 0.038%; no homozygotes.

Submissions (5):

Labcorp Genetics (formerly Invitae), Labcorp
Classification: Likely benign. Last evaluated: 2026-01-25. Review status: criteria provided, single submitter. Criteria: Invitae Variant Classification Sherloc (09022015). Collection method: clinical testing. Allele origin: germline.

PreventionGenetics, part of Exact Sciences
Classification: Likely benign for CDH23-related condition. Last evaluated: 2025-02-22. Review status: criteria provided, single submitter. Criteria: ACMG Guidelines, 2015. Collection method: clinical testing. Allele origin: germline.
Comment: This variant is classified as likely benign based on ACMG/AMP sequence variant interpretation guidelines (Richards et al. 2015 PMID: 25741868, with internal and published modifications).

Blueprint Genetics
Classification: Likely benign. Last evaluated: 2023-09-01. Review status: criteria provided, single submitter. Criteria: ACMG Guidelines, 2015. Collection method: clinical testing. Allele origin: germline.

GeneDx
Classification: Likely benign. Last evaluated: 2020-08-26. Review status: criteria provided, single submitter. Criteria: GeneDx Variant Classification Process June 2021. Collection method: clinical testing. Allele origin: germline. Affected: yes.

Natera, Inc.
Classification: Likely benign for Usher syndrome type 1. Last evaluated: 2021-09-01. Review status: no assertion criteria provided. Collection method: clinical testing. Allele origin: germline. Not counted in ClinVar's aggregate classification.